The following is an entry in ClinVar:

NM_004727.3(SLC24A1):c.47G>A (p.Arg16Gln)

Gene: SLC24A1 (solute carrier family 24 member 1; plus strand). Cytogenetic location: 15q22.31.
Variant type: single nucleotide variant.
Coding change: c.47G>A on transcript NM_004727.3 (MANE Select); coding-DNA position 47, G replaced by A.
Protein change: p.Arg16Gln; replaces arginine 16 with glutamine.
Molecular consequence: missense variant.
Genome position (GRCh38, 1-based): chr15:65,624,127, G>A. VCF-style: chr15-65624127-G-A. GRCh37 (hg19) VCF-style: chr15-65916465-G-A.
Other names: c.47G>A, p.Arg16Gln (NM_001301031.1, NM_001301032.1, NM_001301033.2); short protein forms R16Q.
Identifiers: ClinVar variation 887652 (VCV000887652.8), dbSNP rs201549936, ClinGen allele CA7619679.

ClinVar aggregate classification (germline): Uncertain significance. Review status: criteria provided, multiple submitters, no conflicts (2 of 4 stars). 3 submissions from 3 submitters: Uncertain significance (3). Last evaluated 2026-08-27.

Conditions:
SLC24A1-related disorder. Also called: SLC24A1-related condition.
Congenital stationary night blindness 1D. Also called: Night blindness, congenital stationary (complete), 1D, autosomal recessive. Identifiers: Orphanet 215, MedGen C3151193, MONDO:0013450, OMIM 613830.

Allele frequency attached by ClinVar (database versions not stated): TOPMed 0.00007; gnomAD 0.00009; ExAC 0.00010; gnomAD exomes 0.00010; 1000 Genomes Project 30x 0.00016; ESP Exome Variant Server 0.00017; 1000 Genomes Project 0.00020.
gnomAD v4.1: 143 of 1,612,516 alleles (0.0089%); highest among the groups gnomAD compares: Middle Eastern, 0.017%; no homozygotes.

Submissions (3):

PreventionGenetics, part of Exact Sciences
Classification: Uncertain significance for SLC24A1-related condition. Last evaluated: 2026-08-27. Review status: criteria provided, single submitter. Criteria: ACMG Guidelines, 2015. Collection method: clinical testing. Allele origin: germline.
Comment: The SLC24A1 c.47G>A variant is predicted to result in the amino acid substitution p.Arg16Gln. To our knowledge, this variant has not been reported in the literature. This variant is reported in 0.026% of alleles in individuals of East Asian descent in gnomAD. At this time, the clinical significance of this variant is uncertain due to the absence of conclusive functional and genetic evidence.

Labcorp Genetics (formerly Invitae), Labcorp
Classification: Uncertain significance. Last evaluated: 2022-10-04. Review status: criteria provided, single submitter. Criteria: Invitae Variant Classification Sherloc (09022015). Collection method: clinical testing. Allele origin: germline.
Comment: This sequence change replaces arginine, which is basic and polar, with glutamine, which is neutral and polar, at codon 16 of the SLC24A1 protein (p.Arg16Gln). This variant is present in population databases (rs201549936, gnomAD 0.03%). This variant has not been reported in the literature in individuals affected with SLC24A1-related conditions. ClinVar contains an entry for this variant (Variation ID: 887652). Algorithms developed to predict the effect of missense changes on protein structure and function output the following: SIFT: "Deleterious"; PolyPhen-2: "Possibly Damaging"; Align-GVGD: "Class C0". The glutamine amino acid residue is found in multiple mammalian species, which suggests that this missense change does not adversely affect protein function. In summary, the available evidence is currently insufficient to determine the role of this variant in disease. Therefore, it has been classified as a Variant of Uncertain Significance.

Illumina Laboratory Services, Illumina
Classification: Uncertain significance for Congenital stationary night blindness 1D. Last evaluated: 2018-01-13. Review status: criteria provided, single submitter. Criteria: ICSL Variant Classification Criteria 13 December 2019. Collection method: clinical testing. Allele origin: germline.